The following is an entry in ClinVar:

NM_007294.4(BRCA1):c.5332+12G>A

Gene: BRCA1 (BRCA1 DNA repair associated; minus strand). Cytogenetic location: 17q21.31.
Variant type: single nucleotide variant.
Coding change: c.5332+12G>A on transcript NM_007294.4 (MANE Select); 12 bases into the intron after coding-DNA position 5332, G replaced by A.
Molecular consequence: intron variant.
Genome position (GRCh38, 1-based): chr17:43,051,051, C>T on the plus strand (G>A on the coding strand, the complement: BRCA1 is on the minus strand). VCF-style: chr17-43051051-C-T. GRCh37 (hg19) VCF-style: chr17-41203068-C-T.
Other names: c.5251+12G>A (NM_001407657.1, NM_001407658.1, NM_001407656.1); c.5254+12G>A (NM_001407654.1, NM_001407652.1, NM_001407653.1 and 1 more transcripts); c.1681+12G>A (NM_001408509.1); c.1684+12G>A (NM_001408508.1); c.1810+12G>A (NM_001408491.1, NM_001408481.1, NM_001408490.1 and 5 more transcripts); c.5116+12G>A (NM_001407918.1, NM_001407915.1, NM_001407916.1 and 1 more transcripts); c.5119+12G>A (NM_001407894.1, NM_001407909.1, NM_001407906.1 and 12 more transcripts); c.4993+12G>A (NM_001407957.1, NM_001407958.1, NM_001407956.1); and 74 more.
Identifiers: ClinVar variation 868317 (VCV000868317.5), dbSNP rs2051192247, ClinGen allele CA916081004.

ClinVar aggregate classification (germline): Likely benign (1 of 4 stars; one submission).

Conditions:
Hereditary breast ovarian cancer syndrome. Also called: Hereditary breast and ovarian cancer; Hereditary breast and ovarian cancer syndrome (HBOC); Breast and ovarian cancer; Hereditary breast and/or ovarian cancer syndrome; BRCA1- and BRCA2-Associated Hereditary Breast and Ovarian Cancer; Hereditary breast and ovarian cancer syndrome. Identifiers: Orphanet 145, MedGen C0677776, MeSH D061325, MONDO:0003582. Disease mechanism: loss of function.

Submissions (2):

Labcorp Genetics (formerly Invitae), Labcorp
Classification: Likely benign for Hereditary breast ovarian cancer syndrome. Last evaluated: 2024-10-30. Review status: criteria provided, single submitter. Criteria: Invitae Variant Classification Sherloc (09022015). Collection method: clinical testing. Allele origin: germline.

Brotman Baty Institute, University of Washington
No classification provided (evidence only). Condition: Breast-ovarian cancer, familial 1. Review status: no classification provided. Collection method: in vitro. Allele origin: not applicable. Functional consequence: functionally_normal. Not counted in ClinVar's aggregate classification.
ClinVar note: "not provided" was previously submitted as the classification for the variant. However, the classification appeared to be based only on an observation of functional data so it was converted to no classification on 2025-07-30.